The following is an entry in ClinVar:

NM_022455.5(NSD1):c.7317G>A (p.Leu2439=)

Gene: NSD1 (nuclear receptor binding SET domain protein 1; plus strand). Cytogenetic location: 5q35.3.
Variant type: single nucleotide variant.
Coding change: c.7317G>A on transcript NM_022455.5 (MANE Select); coding-DNA position 7317, G replaced by A.
Protein change: p.Leu2439=; no amino-acid change (leucine 2439 retained).
Molecular consequence: synonymous variant.
Genome position (GRCh38, 1-based): chr5:177,294,685, G>A. VCF-style: chr5-177294685-G-A. GRCh37 (hg19) VCF-style: chr5-176721686-G-A.
Other names: c.6444G>A, p.Leu2148= (NM_001365684.2, NM_001409308.1, NM_172349.5); c.7317G>A, p.Leu2439= (NM_001409301.1, NM_001409302.1, NM_001409303.1); c.6897G>A, p.Leu2299= (NM_001409304.1); c.6564G>A, p.Leu2188= (NM_001409305.1); c.6555G>A, p.Leu2185= (NM_001409306.1, NM_001409307.1); c.6195G>A, p.Leu2065= (NM_001409309.1).
Identifiers: ClinVar variation 3771613 (VCV003771613.13).

ClinVar aggregate classification (germline): Likely benign (1 of 4 stars; one submission).

gnomAD v4.1: 8 of 1,614,222 alleles (0.0005%); highest among the groups gnomAD compares: Non-Finnish European, 0.00068%; no homozygotes.

Submission:

CeGaT Center for Human Genetics Tuebingen
Classification: Likely benign. Last evaluated: 2025-01-01. Review status: criteria provided, single submitter. Criteria: CeGaT Center For Human Genetics Tuebingen Variant Classification Criteria Version 2. Collection method: clinical testing. Allele origin: germline. Affected: yes. Observed: 1 variant allele.
Comment: NSD1: BP4, BP7